The following is an entry in ClinVar:

ClinVar aggregate classification (germline): Uncertain significance (1 of 4 stars; one submission).

Conditions:
Zellweger spectrum disorders (ZS). Also called: Zellweger Spectrum Disorder; Zellweger Spectrum; Zellweger Spectrum Disorder (ZSD); Zellweger syndrome. Identifiers: Orphanet 912, MedGen C0043459, MONDO:0019609.

Allele frequency attached by ClinVar (database versions not stated): gnomAD 0.00001; gnomAD exomes 0.00001; TOPMed 0.00001; ExAC 0.00002; 1000 Genomes Project 30x 0.00016; 1000 Genomes Project 0.00020.
gnomAD v4.1: 18 of 1,595,174 alleles (0.0011%); highest among the groups gnomAD compares: Non-Finnish European, 0.0014%; no homozygotes.

Submission:

Labcorp Genetics (formerly Invitae), Labcorp
Classification: Uncertain significance for Zellweger spectrum disorders. Last evaluated: 2021-08-28. Review status: criteria provided, single submitter. Criteria: Invitae Variant Classification Sherloc (09022015). Collection method: clinical testing. Allele origin: germline.
Comment: This sequence change replaces aspartic acid with glutamic acid at codon 5 of the PEX1 protein (p.Asp5Glu). The aspartic acid residue is weakly conserved and there is a small physicochemical difference between aspartic acid and glutamic acid. This variant is present in population databases (rs201385649, ExAC 0.004%). This variant has not been reported in the literature in individuals affected with PEX1-related conditions. Algorithms developed to predict the effect of missense changes on protein structure and function output the following: SIFT: "Tolerated"; PolyPhen-2: "Benign"; Align-GVGD: "Class C0". The glutamic acid amino acid residue is found in multiple mammalian species, which suggests that this missense change does not adversely affect protein function. In summary, the available evidence is currently insufficient to determine the role of this variant in disease. Therefore, it has been classified as a Variant of Uncertain Significance.

NM_000466.3(PEX1):c.15T>A (p.Asp5Glu)

Genes: PEX1 (peroxisomal biogenesis factor 1; minus strand), LOC129998796 (ATAC-STARR-seq lymphoblastoid silent region 18372; plus strand). Cytogenetic location: 7q21.2.
Variant type: single nucleotide variant.
Coding change: c.15T>A on transcript NM_000466.3 (MANE Select); coding-DNA position 15, T replaced by A.
Protein change: p.Asp5Glu; replaces aspartic acid 5 with glutamic acid.
Molecular consequence: missense variant. On other transcripts: 5 prime UTR variant (1).
Genome position (GRCh38, 1-based): chr7:92,528,421, A>T on the plus strand (T>A on the coding strand, the complement: PEX1 is on the minus strand). VCF-style: chr7-92528421-A-T. GRCh37 (hg19) VCF-style: chr7-92157735-A-T.
Other names: c.15T>A, p.Asp5Glu (NM_001282677.2); c.-645T>A (NM_001282678.2); short protein forms D5E.
Identifiers: ClinVar variation 1432672 (VCV001432672.5), dbSNP rs201385649, ClinGen allele CA4341707.
Genomic context (GRCh38, chr7:92,528,421, plus strand): 5'-GCGAGCGTTGGTGAAGGCCACAGTCACTGCCGCCCCGCCTCCCCCAGCACCCGCCAGGCG[A>T]TCGCTGCCCCACATCGTCCCGGAGCGTCGCTCTGGGTTCGCCCACCCTAGCGCCGCAAAG-3'
Protein context (NP_000457.1, residues 1-15): MWGS[Asp5Glu]RLAGAGGGGA